The following is an entry in ClinVar:

NM_177438.3(DICER1):c.1354T>C (p.Tyr452His)

Gene: DICER1 (dicer 1, ribonuclease III; minus strand). Cytogenetic location: 14q32.13.
Variant type: single nucleotide variant.
Coding change: c.1354T>C on transcript NM_177438.3 (MANE Select); coding-DNA position 1354, T replaced by C.
Protein change: p.Tyr452His; replaces tyrosine 452 with histidine.
Molecular consequence: missense variant.
Genome position (GRCh38, 1-based): chr14:95,124,218, A>G on the plus strand (T>C on the coding strand, the complement: DICER1 is on the minus strand). VCF-style: chr14-95124218-A-G. GRCh37 (hg19) VCF-style: chr14-95590555-A-G.
Other names: c.1354T>C, p.Tyr452His (NM_001195573.1, NM_001271282.3, NM_001291628.2 and 1 more transcripts); short protein forms Y452H.
Identifiers: ClinVar variation 1061643 (VCV001061643.10), dbSNP rs2140200855, ClinGen allele CA390886154.

ClinVar aggregate classification (germline): Uncertain significance (1 of 4 stars; one submission).

Conditions:
DICER1-related tumor predisposition. Also called: DICER1 syndrome; DICER1-related pleuropulmonary blastoma cancer predisposition syndrome. Identifiers: Orphanet 284343, MedGen C3839822, MONDO:0100216.

Submission:

Labcorp Genetics (formerly Invitae), Labcorp
Classification: Uncertain significance for DICER1-related tumor predisposition. Last evaluated: 2020-10-04. Review status: criteria provided, single submitter. Criteria: Invitae Variant Classification Sherloc (09022015). Collection method: clinical testing. Allele origin: germline.
Comment: This sequence change replaces tyrosine with histidine at codon 452 of the DICER1 protein (p.Tyr452His). The tyrosine residue is highly conserved and there is a moderate physicochemical difference between tyrosine and histidine. This variant is not present in population databases (ExAC no frequency). This variant has not been reported in the literature in individuals with DICER1-related conditions. Algorithms developed to predict the effect of missense changes on protein structure and function are either unavailable or do not agree on the potential impact of this missense change (SIFT: "Tolerated"; PolyPhen-2: "Probably Damaging"; Align-GVGD: "Class C0"). In summary, the available evidence is currently insufficient to determine the role of this variant in disease. Therefore, it has been classified as a Variant of Uncertain Significance.